The following is an entry in ClinVar:

ClinVar aggregate classification (germline): Likely benign (0 of 4 stars; one submission).

Conditions:
PIBF1-related disorder. Also called: PIBF1-related condition.

Allele frequency attached by ClinVar (database versions not stated): gnomAD exomes below 0.00001.
gnomAD v4.1: 2 of 1,606,180 alleles (0.00012%); highest among the groups gnomAD compares: Non-Finnish European, 0.000085%; no homozygotes.

Submission:

PreventionGenetics, part of Exact Sciences
Classification: Likely benign for PIBF1-related condition. Last evaluated: 2022-10-05. Review status: no assertion criteria provided. Collection method: clinical testing. Allele origin: germline.
Comment: This variant is classified as likely benign based on ACMG/AMP sequence variant interpretation guidelines (Richards et al. 2015 PMID: 25741868, with internal and published modifications).

NM_006346.4(PIBF1):c.579A>G (p.Pro193=)

Gene: PIBF1 (progesterone immunomodulatory binding factor 1; plus strand). Cytogenetic location: 13q21.33.
Variant type: single nucleotide variant.
Coding change: c.579A>G on transcript NM_006346.4 (MANE Select); coding-DNA position 579, A replaced by G.
Protein change: p.Pro193=; no amino-acid change (proline 193 retained).
Molecular consequence: synonymous variant. On other transcripts: non-coding transcript variant (2).
Genome position (GRCh38, 1-based): chr13:72,797,933, A>G. VCF-style: chr13-72797933-A-G. GRCh37 (hg19) VCF-style: chr13-73372071-A-G.
Other names: c.579A>G, p.Pro193= (NM_001349655.2).
Identifiers: ClinVar variation 3050749 (VCV003050749.2), dbSNP rs2035276126, ClinGen allele CA484038211.